The following is an entry in ClinVar:

NM_138817.3(SLC7A13):c.1097C>T (p.Thr366Met)

Gene: SLC7A13 (solute carrier family 7 member 13; minus strand). Cytogenetic location: 8q21.3.
Variant type: single nucleotide variant.
Coding change: c.1097C>T on transcript NM_138817.3 (MANE Select); coding-DNA position 1097, C replaced by T.
Protein change: p.Thr366Met; replaces threonine 366 with methionine.
Molecular consequence: missense variant.
Genome position (GRCh38, 1-based): chr8:86,217,552, G>A on the plus strand (C>T on the coding strand, the complement: SLC7A13 is on the minus strand). VCF-style: chr8-86217552-G-A. GRCh37 (hg19) VCF-style: chr8-87229781-G-A.
Other names: short protein forms T366M.
Identifiers: ClinVar variation 3165533 (VCV003165533.3), dbSNP rs374838146, ClinGen allele CA4797649.
Genomic context (GRCh38, chr8:86,217,552, plus strand): 5'-GGTTCCTGGTATCTCCGCCTTAGTATTCCTATCATTAATAATATAGACCATAATGAACCC[G>A]TGAAAAAAATATAGTTTATCAAATCAATTAGACTTGTTAAGATAATTGCAAGGGATCCCA-3'
Protein context (NP_620172.2, residues 356-376): LIDLINYIFF[Thr366Met]GSLWSILLMI

ClinVar aggregate classification (germline): Uncertain significance. Review status: criteria provided, multiple submitters, no conflicts (2 of 4 stars). 2 submissions from 2 submitters: Uncertain significance (2). Last evaluated 2025-10-04.

Allele frequency attached by ClinVar (database versions not stated): gnomAD 0.00007; ESP Exome Variant Server 0.00008; 1000 Genomes Project 30x 0.00016.
gnomAD v4.1: 138 of 1,612,170 alleles (0.0086%); highest among the groups gnomAD compares: South Asian, 0.045%; no homozygotes.

Submissions (2):

Labcorp Genetics (formerly Invitae), Labcorp
Classification: Uncertain significance. Last evaluated: 2025-10-04. Review status: criteria provided, single submitter. Criteria: Invitae Variant Classification Sherloc (09022015). Collection method: clinical testing. Allele origin: germline.
Comment: This sequence change replaces threonine, which is neutral and polar, with methionine, which is neutral and non-polar, at codon 366 of the SLC7A13 protein (p.Thr366Met). This variant is present in population databases (rs374838146, gnomAD 0.04%). This variant has not been reported in the literature in individuals affected with SLC7A13-related conditions. ClinVar contains an entry for this variant (Variation ID: 3165533). An algorithm developed to predict the effect of missense changes on protein structure and function outputs the following: PolyPhen-2: "Benign". The methionine amino acid residue is found in multiple mammalian species, which suggests that this missense change does not adversely affect protein function. In summary, the available evidence is currently insufficient to determine the role of this variant in disease. Therefore, it has been classified as a Variant of Uncertain Significance.

Ambry Genetics
Classification: Uncertain significance. Last evaluated: 2025-07-02. Review status: criteria provided, single submitter. Criteria: Ambry Variant Classification Scheme 2023. Collection method: clinical testing. Allele origin: germline.